The following is an entry in ClinVar:

ClinVar aggregate classification (germline): Conflicting classifications of pathogenicity. Review status: criteria provided, conflicting classifications (1 of 4 stars). 4 submissions from 4 submitters: Uncertain significance (2); Likely benign (1). 1 of the submissions does not count toward it. Last evaluated 2026-01-19.

Conditions:
IMPG2-related disorder. Also called: IMPG2-related condition.
Retinitis pigmentosa (RP). Identifiers: Orphanet 791, MedGen C0035334, MeSH D012174, MONDO:0019200, OMIM 268000. Inheritance: Autosomal dominant, autosomal recessive and X linked inheritance.

Allele frequency attached by ClinVar (database versions not stated): gnomAD exomes 0.00048 and 0.00073; ExAC 0.00049; gnomAD 0.00068 and 0.00070; TOPMed 0.00070; ESP Exome Variant Server 0.00108; 1000 Genomes Project 0.00140; 1000 Genomes Project 30x 0.00172.
gnomAD v4.1: 1,171 of 1,613,928 alleles (0.073%); highest among the groups gnomAD compares: Non-Finnish European, 0.09%; 1 homozygote.

Submissions (4):

Labcorp Genetics (formerly Invitae), Labcorp
Classification: Uncertain significance. Last evaluated: 2026-01-19. Review status: criteria provided, single submitter. Criteria: Invitae Variant Classification Sherloc (09022015). Collection method: clinical testing. Allele origin: germline.
Comment: This sequence change replaces arginine, which is basic and polar, with histidine, which is basic and polar, at codon 131 of the IMPG2 protein (p.Arg131His). This variant is present in population databases (rs147901568, gnomAD 0.08%), and has an allele count higher than expected for a pathogenic variant. This variant has not been reported in the literature in individuals affected with IMPG2-related conditions. ClinVar contains an entry for this variant (Variation ID: 842039). An algorithm developed to predict the effect of missense changes on protein structure and function outputs the following: PolyPhen-2: "Benign". The histidine amino acid residue is found in multiple mammalian species, which suggests that this missense change does not adversely affect protein function. In summary, the available evidence is currently insufficient to determine the role of this variant in disease. Therefore, it has been classified as a Variant of Uncertain Significance.

Blueprint Genetics
Classification: Likely benign. Last evaluated: 2024-10-18. Review status: criteria provided, single submitter. Criteria: ACMG Guidelines, 2015. Collection method: clinical testing. Allele origin: germline.

Illumina Laboratory Services, Illumina
Classification: Uncertain significance for Retinitis pigmentosa. Last evaluated: 2018-01-13. Review status: criteria provided, single submitter. Criteria: ICSL Variant Classification Criteria 13 December 2019. Collection method: clinical testing. Allele origin: germline.

PreventionGenetics, part of Exact Sciences
Classification: Uncertain significance for IMPG2-related condition. Last evaluated: 2024-09-09. Review status: no assertion criteria provided. Collection method: clinical testing. Allele origin: germline. Not counted in ClinVar's aggregate classification.
Comment: The IMPG2 c.392G>A variant is predicted to result in the amino acid substitution p.Arg131His. To our knowledge, this variant has not been reported in the literature. This variant is reported in 0.092% of alleles in individuals of African descent in gnomAD, which may be too common to be an undocumented cause of disease. Although we suspect that this variant may be benign, at this time, the clinical significance of this variant is uncertain due to the absence of conclusive functional and genetic evidence.

NM_016247.4(IMPG2):c.392G>A (p.Arg131His)

Gene: IMPG2 (interphotoreceptor matrix proteoglycan 2; minus strand). Cytogenetic location: 3q12.3.
Variant type: single nucleotide variant.
Coding change: c.392G>A on transcript NM_016247.4 (MANE Select); coding-DNA position 392, G replaced by A.
Protein change: p.Arg131His; replaces arginine 131 with histidine.
Molecular consequence: missense variant.
Genome position (GRCh38, 1-based): chr3:101,304,255, C>T on the plus strand (G>A on the coding strand, the complement: IMPG2 is on the minus strand). VCF-style: chr3-101304255-C-T. GRCh37 (hg19) VCF-style: chr3-101023099-C-T.
Other names: short protein forms R131H.
Identifiers: ClinVar variation 842039 (VCV000842039.11), dbSNP rs147901568, ClinGen allele CA2519486.
Genomic context (GRCh38, chr3:101,304,255, plus strand): 5'-ATTTCAAATATACTTGTGACTCCATCCTCACACAAATTCATCCAGTAATGATATTCCTCA[C>T]GCCCAGGAAGTCGATCCCAAAAAGTCCTGAAGGCTTCCCAGACAGCTTCCTGACACACTA-3'
Protein context (NP_057331.2, residues 121-141): FRTFWDRLPG[Arg131His]EEYHYWMNLC